The following is an entry in ClinVar:

NM_001101362.3(KBTBD13):c.314A>T (p.Asn105Ile)

Gene: KBTBD13 (kelch repeat and BTB domain containing 13; plus strand). Cytogenetic location: 15q22.31.
Variant type: single nucleotide variant.
Coding change: c.314A>T on transcript NM_001101362.3 (MANE Select); coding-DNA position 314, A replaced by T.
Protein change: p.Asn105Ile; replaces asparagine 105 with isoleucine.
Molecular consequence: missense variant.
Genome position (GRCh38, 1-based): chr15:65,077,129, A>T. VCF-style: chr15-65077129-A-T. GRCh37 (hg19) VCF-style: chr15-65369467-A-T.
Other names: short protein forms N105I.
Identifiers: ClinVar variation 1464250 (VCV001464250.8), dbSNP rs2086983386, ClinGen allele CA392859729.

ClinVar aggregate classification (germline): Uncertain significance (1 of 4 stars; one submission).

Conditions:
Nemaline myopathy 6 (NEM6). Also called: Nemaline myopathy 6, autosomal dominant. Identifiers: Orphanet 171439, MedGen C1836472, MONDO:0012237, OMIM 609273.

Allele frequency attached by ClinVar (database versions not stated): TOPMed below 0.00001; gnomAD exomes 0.00001.

Submission:

Labcorp Genetics (formerly Invitae), Labcorp
Classification: Uncertain significance for Nemaline myopathy 6. Last evaluated: 2024-02-23. Review status: criteria provided, single submitter. Criteria: Invitae Variant Classification Sherloc (09022015). Collection method: clinical testing. Allele origin: germline.
Comment: This sequence change replaces asparagine, which is neutral and polar, with isoleucine, which is neutral and non-polar, at codon 105 of the KBTBD13 protein (p.Asn105Ile). This variant is not present in population databases (gnomAD no frequency). This variant has not been reported in the literature in individuals affected with KBTBD13-related conditions. ClinVar contains an entry for this variant (Variation ID: 1464250). Advanced modeling of protein sequence and biophysical properties (such as structural, functional, and spatial information, amino acid conservation, physicochemical variation, residue mobility, and thermodynamic stability) performed at Invitae indicates that this missense variant is expected to disrupt KBTBD13 protein function with a positive predictive value of 80%. In summary, the available evidence is currently insufficient to determine the role of this variant in disease. Therefore, it has been classified as a Variant of Uncertain Significance.